The following is an entry in ClinVar:

ClinVar aggregate classification (germline): Uncertain significance. Review status: criteria provided, multiple submitters, no conflicts (2 of 4 stars). 3 submissions from 3 submitters: Uncertain significance (3). Last evaluated 2025-02-19.

Conditions:
RP1L1-related disorder. Also called: RP1L1-related condition.
Inborn genetic diseases. Identifiers: MedGen C0950123, MeSH D030342.

gnomAD v4.1: 18 of 1,613,712 alleles (0.0011%); highest among the groups gnomAD compares: African/African-American, 0.008%; no homozygotes.

Submissions (3):

PreventionGenetics, part of Exact Sciences
Classification: Uncertain significance for RP1L1-related condition. Last evaluated: 2025-02-19. Review status: criteria provided, single submitter. Criteria: ACMG Guidelines, 2015. Collection method: clinical testing. Allele origin: germline.
Comment: The RP1L1 c.5144C>A variant is predicted to result in the amino acid substitution p.Thr1715Lys. To our knowledge, this variant has not been reported in the literature. This variant is reported in 0.0085% of alleles in individuals of Latino descent in gnomAD. At this time, the clinical significance of this variant is uncertain due to the absence of conclusive functional and genetic evidence.

Ambry Genetics
Classification: Uncertain significance for Inborn genetic diseases. Last evaluated: 2024-12-11. Review status: criteria provided, single submitter. Criteria: Ambry Variant Classification Scheme 2023. Collection method: clinical testing. Allele origin: germline.

Blueprint Genetics
Classification: Uncertain significance. Last evaluated: 2022-10-07. Review status: criteria provided, single submitter. Criteria: ACMG Guidelines, 2015. Collection method: clinical testing. Allele origin: germline.

NM_178857.6(RP1L1):c.5144C>A (p.Thr1715Lys)

Gene: RP1L1 (RP1 like 1). Cytogenetic location: 8p23.1.
Variant type: single nucleotide variant.
Coding change: c.5144C>A on transcript NM_178857.6 (MANE Select); coding-DNA position 5144, C replaced by A.
Protein change: p.Thr1715Lys; replaces threonine 1715 with lysine.
Molecular consequence: missense variant.
Genome position (GRCh38, 1-based): chr8:10,608,954, G>T on the plus strand (C>A on the coding strand, the complement: RP1L1 is on the minus strand). VCF-style: chr8-10608954-G-T. GRCh37 (hg19) VCF-style: chr8-10466464-G-T.
Other names: short protein forms T1715K.
Identifiers: ClinVar variation 3790227 (VCV003790227.3).